The following is an entry in ClinVar:

ClinVar aggregate classification (germline): Pathogenic (1 of 4 stars; one submission).

Conditions:
Hereditary cancer-predisposing syndrome. Also called: Tumor predisposition; Neoplastic Syndromes, Hereditary; Hereditary Cancer Syndrome; Hereditary neoplastic syndrome. Identifiers: Orphanet 140162, MedGen C0027672, MeSH D009386, MONDO:0015356.

Submission:

Ambry Genetics
Classification: Pathogenic for Hereditary cancer-predisposing syndrome. Last evaluated: 2025-01-30. Review status: criteria provided, single submitter. Criteria: Ambry Variant Classification Scheme 2023. Collection method: clinical testing. Allele origin: germline.
Comment: The c.3785delA pathogenic mutation, located in coding exon 15 of the APC gene, results from a deletion of one nucleotide at nucleotide position 3785, causing a translational frameshift with a predicted alternate stop codon (p.Y1262Ffs*3). This alteration occurs at the 3' terminus of theAPC gene, is not expected to trigger nonsense-mediated mRNA decay, and impacts the last 55.6% of the protein. However, premature stop codons are typically deleterious in nature and a significant portion of the protein is affected (Ambry internal data). This variant was reported in individual(s) with features consistent with familial adenomatous polyposis in at least one individual (Ambry internal data). This variant is considered to be rare based on population cohorts in the Genome Aggregation Database (gnomAD). Based on the supporting evidence, this variant is interpreted as a disease-causing mutation.

NM_000038.6(APC):c.3785del (p.Tyr1262fs)

Gene: APC (APC regulator of Wnt signaling pathway; plus strand). Cytogenetic location: 5q22.2.
Variant type: Deletion.
Coding change: c.3785del on transcript NM_000038.6 (MANE Select); coding-DNA position 3785, one base deleted (A; older notation c.3785delA).
Protein change: p.Tyr1262fs; shifts the reading frame from tyrosine 1262.
Molecular consequence: frameshift variant. On other transcripts: non-coding transcript variant (2).
Genome position (GRCh38, 1-based): chr5:112,839,379, A deleted. VCF-style (leftmost placement, unchanged base first): chr5-112839378-TA-T. GRCh37 (hg19) VCF-style: chr5-112175075-TA-T.
Other names: c.3785del, p.Tyr1262fs (NM_001127510.3, NM_001354895.2, NM_001407450.1); c.3731del, p.Tyr1244fs (NM_001127511.3); c.3839del, p.Tyr1280fs (NM_001354896.2, NM_001407447.1, NM_001407448.1 and 1 more transcripts); c.3815del, p.Tyr1272fs (NM_001354897.2); c.3710del, p.Tyr1237fs (NM_001354898.2); c.3701del, p.Tyr1234fs (NM_001354899.2); c.3662del, p.Tyr1221fs (NM_001354900.2); c.3608del, p.Tyr1203fs (NM_001354901.2, NM_001407453.1); and 11 more; short protein forms Y1203fs, Y1221fs, Y1262fs, Y1272fs, Y979fs, Y1179fs, Y1234fs, Y1255fs.
Identifiers: ClinVar variation 3881787 (VCV003881787.1).
Genomic context (GRCh38, chr5:112,839,378, plus strand): 5'-CAGCCTCAAAAGGCTGCCACTTGCAAAGTTTCTTCTATTAACCAAGAAACAATACAGACT[TA>T]TTGTGTAGAAGATACTCCAATATGTTTTTCAAGATGTAGTTCATTATCATCTTTGTCATC-3'